The following is an entry in ClinVar:

ClinVar aggregate classification (germline): Uncertain significance (1 of 4 stars; one submission).

Submission:

GeneDx
Classification: Uncertain significance. Last evaluated: 2025-05-15. Review status: criteria provided, single submitter. Criteria: GeneDx Variant Classification Process June 2021. Collection method: clinical testing. Allele origin: germline. Affected: yes.
Comment: Not observed at significant frequency in large population cohorts (gnomAD); In silico analysis supports that this missense variant has a deleterious effect on protein structure/function; Has not been previously published as pathogenic or benign to our knowledge

NM_001271838.2(RSRC1):c.970C>G (p.Arg324Gly)

Gene: RSRC1 (arginine and serine rich coiled-coil 1; plus strand). Cytogenetic location: 3q25.32.
Variant type: single nucleotide variant.
Coding change: c.970C>G on transcript NM_001271838.2 (MANE Select); coding-DNA position 970, C replaced by G.
Protein change: p.Arg324Gly; replaces arginine 324 with glycine.
Molecular consequence: missense variant.
Genome position (GRCh38, 1-based): chr3:158,544,240, C>G. VCF-style: chr3-158544240-C-G. GRCh37 (hg19) VCF-style: chr3-158262029-C-G.
Other names: c.796C>G, p.Arg266Gly (NM_001271834.2); c.970C>G, p.Arg324Gly (NM_016625.4); short protein forms R266G, R324G.
Identifiers: ClinVar variation 4529535 (VCV004529535.1).
Genomic context (GRCh38, chr3:158,544,240, plus strand): 5'-CAGTTATTTATCGAGAAAGCTGATGCTGAGGAAAAATGGTTCAAGAGATTAATTGCTCTC[C>G]GACAAGAAAGACTAATGGGCAGTCCTGTGGCCTAAGTAATATACATATAGTTGGATTGGA-3'
Protein context (NP_001258767.1, residues 314-334): EKWFKRLIAL[Arg324Gly]QERLMGSPVA